The following is an entry in ClinVar:

ClinVar aggregate classification (germline): Pathogenic (1 of 4 stars; one submission).

Conditions:
Medium-chain acyl-coenzyme A dehydrogenase deficiency (ACADMD). Also called: Medium chain acyl-CoA dehydrogenase deficiency; CARNITINE DEFICIENCY SECONDARY TO MEDIUM-CHAIN ACYL-CoA DEHYDROGENASE DEFICIENCY; MCAD Deficiency; MCADH DEFICIENCY; ACADM DEFICIENCY; MCADD. Identifiers: Orphanet 42, MedGen C0220710, MONDO:0008721, OMIM 201450.

Submission:

Labcorp Genetics (formerly Invitae), Labcorp
Classification: Pathogenic for Medium-chain acyl-coenzyme A dehydrogenase deficiency. Last evaluated: 2023-07-29. Review status: criteria provided, single submitter. Criteria: Invitae Variant Classification Sherloc (09022015). Collection method: clinical testing. Allele origin: unknown.
Comment: This variant has not been reported in the literature in individuals affected with ACADM-related conditions. This variant is a gross deletion of the genomic region encompassing exon(s) 1-2 of the ACADM gene, which includes the initiator codon. This deletion extends beyond the assayed region for this gene and therefore may encompass additional genes. It is expected to result in an absent or disrupted protein product. Loss-of-function variants in ACADM are known to be pathogenic (PMID: 16121256, 20434380). For these reasons, this variant has been classified as Pathogenic.

Literature cited by the submitters: PubMed 16121256; PubMed 20434380.

NC_000001.10:g.(?_76190473)_(76194193_?)del

Gene: ACADM (acyl-CoA dehydrogenase medium chain; plus strand). Cytogenetic location: 1p31.1.
Variant type: Deletion.
Identifiers: ClinVar variation 3247650 (VCV003247650.1).